The following is an entry in ClinVar:

ClinVar aggregate classification (germline): Likely pathogenic (1 of 4 stars; one submission).

Conditions:
Heterotaxy, visceral, 8, autosomal (HTX8). Identifiers: MedGen C4310668, MONDO:0014967, OMIM 617205.

Submission:

First Genomix Gene Laboratory, Genetic Diagnostics Department
Classification: Likely pathogenic for Heterotaxy, visceral, 8, autosomal. Last evaluated: 2025-09-24. Review status: criteria provided, single submitter. Criteria: ACMG Guidelines, 2015. Collection method: clinical testing. Allele origin: germline. Inheritance: Autosomal recessive inheritance. Affected: no. Observed: 1 variant allele.

NM_138295.5(PKD1L1):c.8227del (p.Arg2743fs)

Genes: PKD1L1 (polycystin 1 like 1, transient receptor potential channel interacting; minus strand), PKD1L1-AS1 (PKD1L1 antisense RNA 1; plus strand). Cytogenetic location: 7p12.3.
Variant type: Deletion.
Coding change: c.8227del on transcript NM_138295.5 (MANE Select); coding-DNA position 8227, one base deleted (A; older notation c.8227delA).
Protein change: p.Arg2743fs; shifts the reading frame from arginine 2743.
Molecular consequence: frameshift variant.
Genome position (GRCh38, 1-based): chr7:47,796,117, T deleted on the plus strand (A on the coding strand, the reverse complement: PKD1L1 is on the minus strand); the first of 6 consecutive T bases (chr7:47,796,117-47,796,122); deleting any one gives the same sequence. VCF-style (leftmost placement, unchanged base first): chr7-47796116-CT-C. GRCh37 (hg19) VCF-style: chr7-47835714-CT-C.
Other names: short protein forms R2743fs.
Identifiers: ClinVar variation 4850459 (VCV004850459.1).
Genomic context (GRCh38, chr7:47,796,116, plus strand): 5'-TCCCACATATAAGCAGTGACATCTTTAAGTCTCACAAAAGATTTACTTTGAAAAGATTTT[CT>C]TTTTTGGGGTAAAGTCATGAGAAAACCTCTCAGCTAGGAAAAAGAAAAAAATAAAGACAA-3'